The following is an entry in ClinVar:

NM_006206.6(PDGFRA):c.2899C>G (p.Leu967Val)

Gene: PDGFRA (platelet derived growth factor receptor alpha; plus strand). Cytogenetic location: 4q12.
Variant type: single nucleotide variant.
Coding change: c.2899C>G on transcript NM_006206.6 (MANE Select); coding-DNA position 2899, C replaced by G.
Protein change: p.Leu967Val; replaces leucine 967 with valine.
Molecular consequence: missense variant.
Genome position (GRCh38, 1-based): chr4:54,290,331, C>G. VCF-style: chr4-54290331-C-G. GRCh37 (hg19) VCF-style: chr4-55156498-C-G.
Other names: p.Leu967Val; c.2974C>G, p.Leu992Val (NM_001347828.2); c.2899C>G, p.Leu967Val (NM_001347829.2); c.2938C>G, p.Leu980Val (NM_001347830.2); c.2899C>G (NM_006206.5); short protein forms L967V, L980V, L992V.
Identifiers: ClinVar variation 135018 (VCV000135018.29), dbSNP rs140943817, ClinGen allele CA161414.

ClinVar aggregate classification (germline): Benign/Likely benign. Review status: criteria provided, multiple submitters, no conflicts (2 of 4 stars). 6 submissions from 6 submitters: Benign (2); Likely benign (2). 2 of the submissions do not count toward it. Last evaluated 2026-02-01.

Conditions:
PDGFRA-related disorder. Also called: PDGFRA-related condition.
Hereditary cancer-predisposing syndrome. Also called: Tumor predisposition; Hereditary neoplastic syndrome; Hereditary Cancer Syndrome; Neoplastic Syndromes, Hereditary. Identifiers: Orphanet 140162, MedGen C0027672, MeSH D009386, MONDO:0015356.
Gastrointestinal stromal tumor. Also called: Gastrointestinal stromal tumor, somatic; Gastrointestinal stroma tumor. Identifiers: Orphanet 44890, MedGen C0238198, MeSH D046152, MONDO:0011719, OMIM 606764, HP:0100723.

Allele frequency attached by ClinVar (database versions not stated): gnomAD exomes 0.00011 and 0.00032; 1000 Genomes Project 0.00060; 1000 Genomes Project 30x 0.00078; gnomAD 0.00136 and 0.00150; TOPMed 0.00157; ESP Exome Variant Server 0.00177.
gnomAD v4.1: 381 of 1,611,740 alleles (0.024%); highest among the groups gnomAD compares: African/African-American, 0.46%; no homozygotes.

Submissions (6):

Labcorp Genetics (formerly Invitae), Labcorp
Classification: Benign for Gastrointestinal stromal tumor. Last evaluated: 2026-02-01. Review status: criteria provided, single submitter. Criteria: Invitae Variant Classification Sherloc (09022015). Collection method: clinical testing. Allele origin: germline.

Mayo Clinic Laboratories, Mayo Clinic
Classification: Likely benign. Last evaluated: 2025-03-21. Review status: criteria provided, single submitter. Criteria: ACMG Guidelines, 2015. Collection method: clinical testing. Allele origin: germline. Observed: 1 variant allele.
Comment: BS1, BP4

Ambry Genetics
Classification: Benign for Hereditary cancer-predisposing syndrome. Last evaluated: 2024-08-20. Review status: criteria provided, single submitter. Criteria: Ambry Variant Classification Scheme 2023. Collection method: clinical testing. Allele origin: germline.

Sema4
Classification: Likely benign for Hereditary cancer-predisposing syndrome. Last evaluated: 2020-09-10. Review status: criteria provided, single submitter. Criteria: Sema4 Curation Guidelines. Collection method: curation. Allele origin: germline.

PreventionGenetics, part of Exact Sciences
Classification: Likely benign for PDGFRA-related condition. Last evaluated: 2022-09-13. Review status: no assertion criteria provided. Collection method: clinical testing. Allele origin: germline. Not counted in ClinVar's aggregate classification.
Comment: This variant is classified as likely benign based on ACMG/AMP sequence variant interpretation guidelines (Richards et al. 2015 PMID: 25741868, with internal and published modifications).

ITMI
No classification provided. Condition: AllHighlyPenetrant. Last evaluated: 2013-09-19. Review status: no classification provided. Collection method: reference population. Allele origin: germline. Not counted in ClinVar's aggregate classification.
Comment: Please see associated publication for description of ethnicities

Literature cited by the submitters: PubMed 17568391 (cited by Ambry Genetics); PubMed 24728327 (cited by Ambry Genetics and ITMI).